The following is an entry in ClinVar:

ClinVar aggregate classification (germline): Benign. Review status: criteria provided, multiple submitters, no conflicts (2 of 4 stars). 2 submissions from 2 submitters: Benign (2). Last evaluated 2018-01-12.

Conditions:
Familial benign pemphigus (HHD). Identifiers: Orphanet 2841, MedGen C0085106, MONDO:0008218, OMIM 169600.

Allele frequency attached by ClinVar (database versions not stated): 1000 Genomes Project 0.00180; 1000 Genomes Project 30x 0.00219; TOPMed 0.00462.
gnomAD v4.1: 7,493 of 1,425,194 alleles (0.53%); highest among the groups gnomAD compares: Middle Eastern, 0.65%; 26 homozygotes.

Submissions (2):

Illumina Laboratory Services, Illumina
Classification: Benign for Familial benign pemphigus. Last evaluated: 2018-01-12. Review status: criteria provided, single submitter. Criteria: ICSL Variant Classification Criteria 13 December 2019. Collection method: clinical testing. Allele origin: germline.
Comment: This variant was observed in the ICSL laboratory as part of a predisposition screen in an ostensibly healthy population. It had not been previously curated by ICSL or reported in the Human Gene Mutation Database (HGMD: prior to June 1st, 2018), and was therefore a candidate for classification through an automated scoring system. Utilizing variant allele frequency, disease prevalence and penetrance estimates, and inheritance mode, an automated score was calculated to assess if this variant is too frequent to cause the disease. Based on the score and internal cut-off values, a variant classified as benign is not then subjected to further curation. The score for this variant resulted in a classification of benign for this disease.

Breakthrough Genomics
Classification: Benign. Review status: criteria provided, single submitter. Criteria: ACMG Guidelines, 2015. Collection method: not provided. Allele origin: germline. Inheritance: Autosomal dominant inheritance. Affected: yes.

NM_001378687.1(ATP2C1):c.-180-33C>A

Gene: ATP2C1 (ATPase secretory pathway Ca2+ transporting 1; plus strand). Cytogenetic location: 3q22.1.
Variant type: single nucleotide variant.
Coding change: c.-180-33C>A on transcript NM_001378687.1 (MANE Select); 33 bases into the intron before 180 bases upstream of the start codon, C replaced by A.
Molecular consequence: intron variant. On other transcripts: 5 prime UTR variant (2).
Genome position (GRCh38, 1-based): chr3:130,894,557, C>A. VCF-style: chr3-130894557-C-A. GRCh37 (hg19) VCF-style: chr3-130613401-C-A.
Other names: c.-213C>A (NM_001199185.2, NM_014382.5); c.109-35859C>A (NM_001378511.1, NM_001199180.2, NM_001199182.2 and 1 more transcripts); c.-180-33C>A (NM_001001486.2, NM_001001487.2, NM_001001485.3); c.-62-151C>A (NM_001378512.1, NM_001378513.1, NM_001199179.3); c.-43+220C>A (NM_001378514.1, NM_001199183.2, NM_001199184.3).
Identifiers: ClinVar variation 343313 (VCV000343313.6), dbSNP rs181664730, ClinGen allele CA10615302.